The following is an entry in ClinVar:

NM_004994.3(MMP9):c.1465C>T (p.Pro489Ser)

Gene: MMP9 (matrix metallopeptidase 9; plus strand). Cytogenetic location: 20q13.12.
Variant type: single nucleotide variant.
Coding change: c.1465C>T on transcript NM_004994.3 (MANE Select); coding-DNA position 1465, C replaced by T.
Protein change: p.Pro489Ser; replaces proline 489 with serine.
Molecular consequence: missense variant.
Genome position (GRCh38, 1-based): chr20:46,013,389, C>T. VCF-style: chr20-46013389-C-T. GRCh37 (hg19) VCF-style: chr20-44642028-C-T.
Other names: short protein forms P489S.
Identifiers: ClinVar variation 2820484 (VCV002820484.3), dbSNP rs776118546, ClinGen allele CA409220590.

ClinVar aggregate classification (germline): Uncertain significance (1 of 4 stars; one submission).

Submission:

Labcorp Genetics (formerly Invitae), Labcorp
Classification: Uncertain significance. Last evaluated: 2022-12-15. Review status: criteria provided, single submitter. Criteria: Invitae Variant Classification Sherloc (09022015). Collection method: clinical testing. Allele origin: germline.
Comment: This sequence change replaces proline, which is neutral and non-polar, with serine, which is neutral and polar, at codon 489 of the MMP9 protein (p.Pro489Ser). This variant is not present in population databases (gnomAD no frequency). This variant has not been reported in the literature in individuals affected with MMP9-related conditions. Algorithms developed to predict the effect of missense changes on protein structure and function are either unavailable or do not agree on the potential impact of this missense change (SIFT: "Tolerated"; PolyPhen-2: "Probably Damaging"; Align-GVGD: "Class C0"). In summary, the available evidence is currently insufficient to determine the role of this variant in disease. Therefore, it has been classified as a Variant of Uncertain Significance.